The following is an entry in ClinVar:

ClinVar aggregate classification (germline): Pathogenic. Review status: criteria provided, multiple submitters, no conflicts (2 of 4 stars). 16 submissions from 15 submitters: Pathogenic (11). 5 of the submissions do not count toward it. Last evaluated 2026-09-09.

Conditions:
RHO-related disorder. Also called: RHO-related condition.
Retinal dystrophy. Also called: Inherited retinal dystrophy. Identifiers: Orphanet 71862, MedGen C0854723, MeSH D058499, MONDO:0019118, HP:0000556.
Retinitis pigmentosa (RP). Identifiers: Orphanet 791, MedGen C0035334, MeSH D012174, MONDO:0019200, OMIM 268000. Inheritance: Autosomal dominant, autosomal recessive and X linked inheritance.
Retinitis punctata albescens. Identifiers: Orphanet 52427, MedGen C1405854, MONDO:0018877.
Retinitis pigmentosa 4 (RP4). Also called: RETINITIS PIGMENTOSA, RHODOPSIN-RELATED. Identifiers: Orphanet 791, MedGen C3151001, MONDO:0013395, OMIM 613731.

gnomAD v4.1: 2 of 1,614,258 alleles (0.00012%); highest among the groups gnomAD compares: Non-Finnish European, 0.00017%; no homozygotes.

Submissions (16):

PreventionGenetics, part of Exact Sciences
Classification: Pathogenic for RHO-related condition. Last evaluated: 2026-09-09. Review status: criteria provided, single submitter. Criteria: ACMG Guidelines, 2015. Collection method: clinical testing. Allele origin: germline.
Comment: The RHO c.403C>T variant is predicted to result in the amino acid substitution p.Arg135Trp. This variant has been reported in individuals with autosomal dominant retinitis pigmentosa (see for examples: Sung et al. 1991. PubMed ID: 1862076; Beryozkin et al. 2016. PubMed ID: 26962691). Additionally, different substitutions of the same amino acid (p.Arg135Gly, p.Arg135Leu) have also been reported in individuals with retinitis pigmentosa (Bunge et al. 1993. PubMed ID: 8406457; Andreasson et al. 1992. PubMed ID: 1484692). This missense variant is predicted to be damaging to the encoded protein (REVEL score >0.773, Ioannidis et al. 2016. PubMed ID: 27666373). Given all the evidence, we interpret this variant as pathogenic for autosomal dominant disease.

Labcorp Genetics (formerly Invitae), Labcorp
Classification: Pathogenic. Last evaluated: 2026-01-06. Review status: criteria provided, single submitter. Criteria: Invitae Variant Classification Sherloc (09022015). Collection method: clinical testing. Allele origin: germline.
Comment: This sequence change replaces arginine, which is basic and polar, with tryptophan, which is neutral and slightly polar, at codon 135 of the RHO protein (p.Arg135Trp). This variant is not present in population databases (gnomAD no frequency). This missense change has been observed in individual(s) with autosomal dominant retinitis pigmentosa (PMID: 1862076, 18175313, 25101269, 28559085). In at least one individual the variant was observed to be de novo. It has also been observed to segregate with disease in related individuals. ClinVar contains an entry for this variant (Variation ID: 13028). Invitae Evidence Modeling of protein sequence and biophysical properties (such as structural, functional, and spatial information, amino acid conservation, physicochemical variation, residue mobility, and thermodynamic stability) indicates that this missense variant is expected to disrupt RHO protein function with a positive predictive value of 95%. For these reasons, this variant has been classified as Pathogenic.

3billion
Classification: Pathogenic for Retinitis pigmentosa 4. Last evaluated: 2025-12-11. Review status: criteria provided, single submitter. Criteria: ACMG Guidelines, 2015. Collection method: clinical testing. Allele origin: germline. Affected: yes.
Comment: The variant is observed at an extremely low frequency in the gnomAD v4.1.0 dataset (total allele frequency: <0.001%). Predicted Consequence/Location: Missense variant. Missense changes are a common disease-causing mechanism. In silico tool predictions suggest damaging effect of the variant on gene or gene product [REVEL: 0.93 (>=0.6, sensitivity 0.68 and specificity 0.92); 3Cnet: 0.99 (> 0.75, sensitivity 0.96 and precision 0.92)]. The same nucleotide change resulting in the same amino acid change has been previously reported as pathogenic/likely pathogenic with strong evidence (ClinVar ID: VCV000013028 /PMID: 1862076 /3billion dataset). The variant has been observed in multiple (>3) similarly affected unrelated individuals (PMID: 18175313, 1862076, 25101269, 28559085). Different missense changes at the same codon (p.Arg135Gly, p.Arg135Leu, p.Arg135Pro) have been reported as pathogenic/likely pathogenic with strong evidence (ClinVar ID: VCV000013024, VCV000279882, VCV001455410, VCV001456261 /PMID: 1484692, 1862076, 8406457). Therefore, this variant is classified as Pathogenic according to the recommendation of ACMG/AMP guideline.

GeneDx
Classification: Pathogenic. Last evaluated: 2025-07-22. Review status: criteria provided, single submitter. Criteria: GeneDx Variant Classification Process June 2021. Collection method: clinical testing. Allele origin: germline. Affected: yes.
Comment: Published functional studies demonstrate a damaging effect as the variant results in the protein being retained in the ER leading to cellular apoptosis (PMID: 30635925); Not observed at significant frequency in large population cohorts (gnomAD); In silico analysis supports that this missense variant has a deleterious effect on protein structure/function; This variant is associated with the following publications: (PMID: 10521250, 31429209, 32531858, 18385078, 1862076, 8841304, 18175313, 26962691, 25101269, 26794436, 21094163, 25619725, 8486634, 30635925, 29785639, 30977563, 31239368, 31054281, 31456290, 11139241, 32100970, 33576794, 1882937, 33090715, 25356976, 33781268, 33946315, 32037395, 34919893, 34448047, 37712069, 33057194, 36460718, 31213501, 36729443, 36819107, 36909829, 37217489, 36284460, 34321860, 35982159, 28559085, 38219857, 38479725)

CeGaT Center for Human Genetics Tuebingen
Classification: Pathogenic. Last evaluated: 2025-03-01. Review status: criteria provided, single submitter. Criteria: CeGaT Center For Human Genetics Tuebingen Variant Classification Criteria Version 2. Collection method: clinical testing. Allele origin: germline. Affected: yes. Observed: 1 variant allele.
Comment: RHO: PP1:Strong, PM1, PM2, PM5, PS2:Moderate, PS4:Moderate, PS3:Supporting

Institute of Medical Genetics and Applied Genomics, University Hospital Tübingen
Classification: Pathogenic for Retinitis pigmentosa 4. Last evaluated: 2025-02-12. Review status: criteria provided, single submitter. Criteria: ACMG Guidelines, 2015. Collection method: clinical testing. Allele origin: germline. Inheritance: Autosomal dominant inheritance. Affected: yes.

Blueprint Genetics
Classification: Pathogenic for RHO-related disorders. Last evaluated: 2024-09-30. Review status: criteria provided, single submitter. Criteria: ACMG Guidelines, 2015. Collection method: clinical testing. Allele origin: germline. Affected: yes. Observed: 5 variant alleles.

Dept Of Ophthalmology, Nagoya University
Classification: Pathogenic for Retinal dystrophy. Last evaluated: 2023-10-01. Review status: criteria provided, single submitter. Criteria: Submitter's publication. Collection method: research. Allele origin: germline. Affected: yes.

Ophthalmic Genetics Group, Institute of Molecular and Clinical Ophthalmology Basel
Classification: Pathogenic for Retinitis pigmentosa. Last evaluated: 2023-07-24. Review status: criteria provided, single submitter. Criteria: ACMG Guidelines, 2015. Collection method: research. Allele origin: germline. Affected: yes. Observed: 1 variant allele.
Comment: Clinical significance based on ACMG v2.0

This variant was classified as Pathogenic based on ACMG criteria: PP5, PM2, PM5, PM1, PP3, PP2.

Institute of Human Genetics, Univ. Regensburg, Univ. Regensburg
Classification: Pathogenic for Retinal dystrophy. Last evaluated: 2023-01-01. Review status: criteria provided, single submitter. Criteria: ACMG Guidelines, 2015. Collection method: clinical testing. Allele origin: germline. Affected: yes.

Centre for Genomic Medicine, Manchester, Central Manchester University Hospitals
Classification: Pathogenic for Retinitis pigmentosa 4. Last evaluated: 2020-09-01. Review status: criteria provided, single submitter. Criteria: ACMG Guidelines, 2015. Collection method: clinical testing. Allele origin: germline. Affected: yes. Observed: 2 heterozygotes.

Sharon lab, Hadassah-Hebrew University Medical Center
Classification: Pathogenic for Retinitis pigmentosa. Last evaluated: 2019-06-23. Review status: no assertion criteria provided. Collection method: research. Allele origin: inherited. Affected: yes. Not counted in ClinVar's aggregate classification.

Department of Clinical Genetics, Copenhagen University Hospital, Rigshospitalet
Classification: Pathogenic for Retinitis pigmentosa. Last evaluated: 2018-04-01. Review status: no assertion criteria provided. Collection method: research. Allele origin: unknown. Affected: yes. Study: VeluxRD. Not counted in ClinVar's aggregate classification.

OMIM
Classification: Pathogenic for RETINITIS PIGMENTOSA 4. Last evaluated: 1997-04-01. Review status: no assertion criteria provided. Collection method: literature only. Allele origin: germline. Not counted in ClinVar's aggregate classification.

OMIM
Classification: Pathogenic for RETINITIS PUNCTATA ALBESCENS. Last evaluated: 1997-04-01. Review status: no assertion criteria provided. Collection method: literature only. Allele origin: germline. Not counted in ClinVar's aggregate classification.

Department of Ophthalmology and Visual Sciences Kyoto University
Classification: Pathogenic for Retinitis pigmentosa. Review status: no assertion criteria provided. Collection method: not provided. Allele origin: unknown. Not counted in ClinVar's aggregate classification.
ClinVar note: Converted during submission from pathogenic to Pathogenic.

Literature cited by the submitters: PubMed 1862076 (cited by 4 submitters); PubMed 18175313 (cited by 3 submitters); PubMed 25101269 (cited by 3 submitters); PubMed 28559085 (cited by 3 submitters); PubMed 1484692 (cited by 3billion and OMIM); PubMed 36909829 (cited by Ophthalmic Genetics Group, Institute of Molecular and Clinical Ophthalmology Basel); PubMed 1882937 (cited by Institute of Human Genetics, Univ. Regensburg, Univ. Regensburg and OMIM); PubMed 10521250 (cited by Institute of Human Genetics, Univ. Regensburg, Univ. Regensburg); PubMed 11139241 (cited by Institute of Human Genetics, Univ. Regensburg, Univ. Regensburg); PubMed 18385078 (cited by Institute of Human Genetics, Univ. Regensburg, Univ. Regensburg); PubMed 21094163 (cited by Institute of Human Genetics, Univ. Regensburg, Univ. Regensburg); PubMed 25356976 (cited by Institute of Human Genetics, Univ. Regensburg, Univ. Regensburg); PubMed 26962691 (cited by Institute of Human Genetics, Univ. Regensburg, Univ. Regensburg); PubMed 26794436 (cited by Institute of Human Genetics, Univ. Regensburg, Univ. Regensburg); PubMed 29785639 (cited by Institute of Human Genetics, Univ. Regensburg, Univ. Regensburg); PubMed 31054281 (cited by Institute of Human Genetics, Univ. Regensburg, Univ. Regensburg); PubMed 31213501 (cited by Institute of Human Genetics, Univ. Regensburg, Univ. Regensburg); PubMed 30977563 (cited by Institute of Human Genetics, Univ. Regensburg, Univ. Regensburg); PubMed 31239368 (cited by Institute of Human Genetics, Univ. Regensburg, Univ. Regensburg); PubMed 30635925 (cited by Institute of Human Genetics, Univ. Regensburg, Univ. Regensburg); PubMed 31429209 (cited by Institute of Human Genetics, Univ. Regensburg, Univ. Regensburg); PubMed 33090715 (cited by Institute of Human Genetics, Univ. Regensburg, Univ. Regensburg); PubMed 31456290 (cited by Institute of Human Genetics, Univ. Regensburg, Univ. Regensburg); PubMed 32100970 (cited by Institute of Human Genetics, Univ. Regensburg, Univ. Regensburg); PubMed 32531858 (cited by Institute of Human Genetics, Univ. Regensburg, Univ. Regensburg); PubMed 32037395 (cited by Institute of Human Genetics, Univ. Regensburg, Univ. Regensburg); PubMed 33781268 (cited by Institute of Human Genetics, Univ. Regensburg, Univ. Regensburg); PubMed 33576794 (cited by Institute of Human Genetics, Univ. Regensburg, Univ. Regensburg); PubMed 33946315 (cited by Institute of Human Genetics, Univ. Regensburg, Univ. Regensburg); PubMed 34448047 (cited by Institute of Human Genetics, Univ. Regensburg, Univ. Regensburg); PubMed 36460718 (cited by Institute of Human Genetics, Univ. Regensburg, Univ. Regensburg); PubMed 36284460 (cited by Institute of Human Genetics, Univ. Regensburg, Univ. Regensburg); PubMed 36819107 (cited by Institute of Human Genetics, Univ. Regensburg, Univ. Regensburg); PubMed 30718709 (cited by Department of Clinical Genetics, Copenhagen University Hospital, Rigshospitalet); PubMed 8841304 (cited by OMIM); PubMed 9197578 (cited by OMIM); PubMed 8554077 (cited by OMIM).

NM_000539.3(RHO):c.403C>T (p.Arg135Trp)

Gene: RHO (rhodopsin; plus strand). Cytogenetic location: 3q22.1.
Variant type: single nucleotide variant.
Coding change: c.403C>T on transcript NM_000539.3 (MANE Select); coding-DNA position 403, C replaced by T.
Protein change: p.Arg135Trp; replaces arginine 135 with tryptophan.
Molecular consequence: missense variant.
Genome position (GRCh38, 1-based): chr3:129,530,917, C>T. VCF-style: chr3-129530917-C-T. GRCh37 (hg19) VCF-style: chr3-129249760-C-T.
Other names: NP_000530.1:p.(Arg135Trp); short protein forms R135W.
Identifiers: ClinVar variation 13028 (VCV000013028.35), dbSNP rs104893775, ClinGen allele CA122819.
Genomic context (GRCh38, chr3:129,530,917, plus strand): 5'-CCTGCTGACTGCCTTGCAGGTGAAATTGCCCTGTGGTCCTTGGTGGTCCTGGCCATCGAG[C>T]GGTACGTGGTGGTGTGTAAGCCCATGAGCAACTTCCGCTTCGGGGAGAACCATGCCATCA-3'
Protein context (NP_000530.1, residues 125-145): LWSLVVLAIE[Arg135Trp]YVVVCKPMSN